The following is an entry in ClinVar:

NM_001953.5(TYMP):c.136G>A (p.Gly46Arg)

Gene: TYMP (thymidine phosphorylase; minus strand). Cytogenetic location: 22q13.33.
Variant type: single nucleotide variant.
Coding change: c.136G>A on transcript NM_001953.5 (MANE Select); coding-DNA position 136, G replaced by A.
Protein change: p.Gly46Arg; replaces glycine 46 with arginine.
Molecular consequence: missense variant.
Genome position (GRCh38, 1-based): chr22:50,529,574, C>T on the plus strand (G>A on the coding strand, the complement: TYMP is on the minus strand). VCF-style: chr22-50529574-C-T. GRCh37 (hg19) VCF-style: chr22-50968003-C-T.
Other names: c.136G>A, p.Gly46Arg (NM_001113755.3, NM_001113756.3, NM_001257988.1 and 1 more transcripts); short protein forms G46R.
Identifiers: ClinVar variation 2169025 (VCV002169025.2), dbSNP rs374043253, ClinGen allele CA10321877.

ClinVar aggregate classification (germline): Uncertain significance (1 of 4 stars; one submission).

Allele frequency attached by ClinVar (database versions not stated): gnomAD 0.00001; ExAC 0.00002; TOPMed 0.00003; ESP Exome Variant Server 0.00008.
gnomAD v4.1: 8 of 1,613,048 alleles (0.0005%); highest among the groups gnomAD compares: Admixed American, 0.0083%; no homozygotes.

Submission:

Labcorp Genetics (formerly Invitae), Labcorp
Classification: Uncertain significance. Last evaluated: 2025-08-21. Review status: criteria provided, single submitter. Criteria: Invitae Variant Classification Sherloc (09022015). Collection method: clinical testing. Allele origin: germline.
Comment: This sequence change replaces glycine, which is neutral and non-polar, with arginine, which is basic and polar, at codon 46 of the TYMP protein (p.Gly46Arg). This variant is present in population databases (rs374043253, gnomAD 0.01%). This variant has not been reported in the literature in individuals affected with TYMP-related conditions. ClinVar contains an entry for this variant (Variation ID: 2169025). Invitae Evidence Modeling of protein sequence and biophysical properties (such as structural, functional, and spatial information, amino acid conservation, physicochemical variation, residue mobility, and thermodynamic stability) has been performed for this missense variant. However, the output from this modeling did not meet the statistical confidence thresholds required to predict the impact of this variant on TYMP protein function. In summary, the available evidence is currently insufficient to determine the role of this variant in disease. Therefore, it has been classified as a Variant of Uncertain Significance.